The following is an entry in ClinVar:

NM_004747.4(DLG5):c.2345G>A (p.Arg782His)

Gene: DLG5 (discs large MAGUK scaffold protein 5; minus strand). Cytogenetic location: 10q22.3.
Variant type: single nucleotide variant.
Coding change: c.2345G>A on transcript NM_004747.4 (MANE Select); coding-DNA position 2345, G replaced by A.
Protein change: p.Arg782His; replaces arginine 782 with histidine.
Molecular consequence: missense variant.
Genome position (GRCh38, 1-based): chr10:77,824,421, C>T on the plus strand (G>A on the coding strand, the complement: DLG5 is on the minus strand). VCF-style: chr10-77824421-C-T. GRCh37 (hg19) VCF-style: chr10-79584179-C-T.
Other names: short protein forms R782H.
Identifiers: ClinVar variation 790453 (VCV000790453.28), dbSNP rs146507058, ClinGen allele CA5569868.

ClinVar aggregate classification (germline): Benign/Likely benign. Review status: criteria provided, multiple submitters, no conflicts (2 of 4 stars). 2 submissions from 2 submitters: Benign (1); Likely benign (1). Last evaluated 2022-07-01.

Allele frequency attached by ClinVar (database versions not stated): 1000 Genomes Project 30x 0.00141; TOPMed 0.00147; 1000 Genomes Project 0.00160; ExAC 0.00208; gnomAD 0.00242 and 0.00247; gnomAD exomes 0.00244 and 0.00252; ESP Exome Variant Server 0.00246.
gnomAD v4.1: 4,004 of 1,614,012 alleles (0.25%); highest among the groups gnomAD compares: Non-Finnish European, 0.25%; 9 homozygotes.

Submissions (2):

CeGaT Center for Human Genetics Tuebingen
Classification: Likely benign. Last evaluated: 2022-07-01. Review status: criteria provided, single submitter. Criteria: CeGaT Center For Human Genetics Tuebingen Variant Classification Criteria Version 2. Collection method: clinical testing. Allele origin: germline. Affected: yes. Observed: 1 variant allele.
Comment: DLG5: BS2

Labcorp Genetics (formerly Invitae), Labcorp
Classification: Benign. Last evaluated: 2019-12-31. Review status: criteria provided, single submitter. Criteria: Invitae Variant Classification Sherloc (09022015). Collection method: clinical testing. Allele origin: germline.